The following is an entry in ClinVar:

ClinVar aggregate classification (germline): Uncertain significance. Review status: criteria provided, multiple submitters, no conflicts (2 of 4 stars). 2 submissions from 2 submitters: Uncertain significance (2). Last evaluated 2023-12-20.

Conditions:
Gastrointestinal stromal tumor. Also called: Gastrointestinal stroma tumor; Gastrointestinal stromal tumor, somatic. Identifiers: Orphanet 44890, MedGen C0238198, MeSH D046152, MONDO:0011719, OMIM 606764, HP:0100723.
Pheochromocytoma/paraganglioma syndrome 3. Also called: GLOMUS TUMORS, FAMILIAL, 3; Paragangliomas 3; SDHC-Related Hereditary Paraganglioma-Pheochromocytoma Syndrome (Paragangliomas 3); SDHC-Related Hereditary Paraganglioma-Pheochromocytoma Syndrome. Identifiers: Orphanet 29072, MedGen C1854336, MONDO:0011544, OMIM 605373.

Submissions (2):

Labcorp Genetics (formerly Invitae), Labcorp
Classification: Uncertain significance for Pheochromocytoma/paraganglioma syndrome 3; Gastrointestinal stromal tumor. Last evaluated: 2023-12-20. Review status: criteria provided, single submitter. Criteria: Invitae Variant Classification Sherloc (09022015). Collection method: clinical testing. Allele origin: germline.
Comment: This sequence change replaces leucine, which is neutral and non-polar, with valine, which is neutral and non-polar, at codon 78 of the SDHC protein (p.Leu78Val). This variant is not present in population databases (gnomAD no frequency). This variant has not been reported in the literature in individuals affected with SDHC-related conditions. ClinVar contains an entry for this variant (Variation ID: 439296). An algorithm developed to predict the effect of missense changes on protein structure and function (PolyPhen-2) suggests that this variant is likely to be tolerated. In summary, the available evidence is currently insufficient to determine the role of this variant in disease. Therefore, it has been classified as a Variant of Uncertain Significance.

Quest Diagnostics Nichols Institute San Juan Capistrano
Classification: Uncertain significance. Last evaluated: 2017-05-25. Review status: criteria provided, single submitter. Criteria: Quest Diagnostics criteria. Collection method: clinical testing. Allele origin: germline.

NM_003001.5(SDHC):c.232T>G (p.Leu78Val)

Gene: SDHC (succinate dehydrogenase complex subunit C; plus strand). Cytogenetic location: 1q23.3.
Variant type: single nucleotide variant.
Coding change: c.232T>G on transcript NM_003001.5 (MANE Select); coding-DNA position 232, T replaced by G.
Protein change: p.Leu78Val; replaces leucine 78 with valine.
Molecular consequence: missense variant.
Genome position (GRCh38, 1-based): chr1:161,340,646, T>G. VCF-style: chr1-161340646-T-G. GRCh37 (hg19) VCF-style: chr1-161310436-T-G.
Other names: c.232T>G, p.Leu78Val (NM_001035511.3); c.130T>G, p.Leu44Val (NM_001035512.3, NM_001278172.3, NM_001407118.1); c.73T>G, p.Leu25Val (NM_001035513.3); c.352T>G, p.Leu118Val (NM_001407115.1); c.175T>G, p.Leu59Val (NM_001407116.1, NM_001407117.1, NM_001407121.1); c.121T>G, p.Leu41Val (NM_001407119.1, NM_001407120.1); short protein forms L78V, L44V, L25V, L118V, L59V, L41V.
Identifiers: ClinVar variation 439296 (VCV000439296.6), dbSNP rs1553264225, ClinGen allele CA343366079.